The following is an entry in ClinVar:

ClinVar aggregate classification (germline): Uncertain significance. Review status: criteria provided, multiple submitters, no conflicts (2 of 4 stars). 2 submissions from 2 submitters: Uncertain significance (2). Last evaluated 2025-04-18.

Conditions:
Inborn genetic diseases. Identifiers: MedGen C0950123, MeSH D030342.

Allele frequency attached by ClinVar (database versions not stated): gnomAD exomes below 0.00001; ExAC 0.00001; gnomAD 0.00001; TOPMed 0.00001.

Submissions (2):

Ambry Genetics
Classification: Uncertain significance for Inborn genetic diseases. Last evaluated: 2025-04-18. Review status: criteria provided, single submitter. Criteria: Ambry Variant Classification Scheme 2023. Collection method: clinical testing. Allele origin: germline.

Labcorp Genetics (formerly Invitae), Labcorp
Classification: Uncertain significance. Last evaluated: 2023-12-11. Review status: criteria provided, single submitter. Criteria: Invitae Variant Classification Sherloc (09022015). Collection method: clinical testing. Allele origin: germline.
Comment: This sequence change replaces serine, which is neutral and polar, with phenylalanine, which is neutral and non-polar, at codon 167 of the SLC46A1 protein (p.Ser167Phe). This variant is present in population databases (rs782773293, gnomAD 0.04%). This variant has not been reported in the literature in individuals affected with SLC46A1-related conditions. ClinVar contains an entry for this variant (Variation ID: 1915446). Advanced modeling of protein sequence and biophysical properties (such as structural, functional, and spatial information, amino acid conservation, physicochemical variation, residue mobility, and thermodynamic stability) performed at Invitae indicates that this missense variant is not expected to disrupt SLC46A1 protein function with a negative predictive value of 80%. In summary, the available evidence is currently insufficient to determine the role of this variant in disease. Therefore, it has been classified as a Variant of Uncertain Significance.

NM_080669.6(SLC46A1):c.500C>T (p.Ser167Phe)

Gene: SLC46A1 (solute carrier family 46 member 1; minus strand). Cytogenetic location: 17q11.2.
Variant type: single nucleotide variant.
Coding change: c.500C>T on transcript NM_080669.6 (MANE Select); coding-DNA position 500, C replaced by T.
Protein change: p.Ser167Phe; replaces serine 167 with phenylalanine.
Molecular consequence: missense variant.
Genome position (GRCh38, 1-based): chr17:28,405,197, G>A on the plus strand (C>T on the coding strand, the complement: SLC46A1 is on the minus strand). VCF-style: chr17-28405197-G-A. GRCh37 (hg19) VCF-style: chr17-26732215-G-A.
Other names: c.500C>T, p.Ser167Phe (NM_001242366.3); c.500C>T (NM_080669.4); short protein forms S167F.
Identifiers: ClinVar variation 1915446 (VCV001915446.4), dbSNP rs782773293, ClinGen allele CA8458321.